The following is an entry in ClinVar:

ClinVar aggregate classification (germline): Likely pathogenic (1 of 4 stars; one submission).

Conditions:
Ornithine aminotransferase deficiency (GACR). Also called: HYPERORNITHINEMIA WITH GYRATE ATROPHY OF CHOROID AND RETINA; Ornithine ketoacid aminotransferase deficiency; Gyrate atrophy; Gyrate atrophy of choroid and retina; Girate atrophy of the retina; OAT DEFICIENCY. Identifiers: Orphanet 414, MedGen C0018425, MONDO:0009796, OMIM 258870.

gnomAD v4.1: 1 of 1,606,216 alleles (0.000062%); highest among the groups gnomAD compares: Non-Finnish European, 0.000085%; no homozygotes.

Submission:

Labcorp Genetics (formerly Invitae), Labcorp
Classification: Likely pathogenic for Ornithine aminotransferase deficiency. Last evaluated: 2022-10-11. Review status: criteria provided, single submitter. Criteria: Invitae Variant Classification Sherloc (09022015). Collection method: clinical testing. Allele origin: germline.
Comment: ClinVar contains an entry for this variant (Variation ID: 1068393). In summary, the currently available evidence indicates that the variant is pathogenic, but additional data are needed to prove that conclusively. Therefore, this variant has been classified as Likely Pathogenic. Algorithms developed to predict the effect of sequence changes on RNA splicing suggest that this variant may disrupt the consensus splice site. This variant has not been reported in the literature in individuals affected with OAT-related conditions. This variant is not present in population databases (gnomAD no frequency). This sequence change affects a donor splice site in intron 4 of the OAT gene. It is expected to disrupt RNA splicing. Variants that disrupt the donor or acceptor splice site typically lead to a loss of protein function (PMID: 16199547), and loss-of-function variants in OAT are known to be pathogenic (PMID: 1737786, 23076989).

Literature cited by the submitters: PubMed 16199547; PubMed 1737786; PubMed 23076989.

NM_000274.4(OAT):c.520+1G>T

Gene: OAT (ornithine aminotransferase; minus strand). Cytogenetic location: 10q26.13.
Variant type: single nucleotide variant.
Coding change: c.520+1G>T on transcript NM_000274.4 (MANE Select); the canonical splice donor site of the intron after coding-DNA position 520, G replaced by T.
Molecular consequence: splice donor variant. On other transcripts: intron variant (1).
Genome position (GRCh38, 1-based): chr10:124,408,541, C>A on the plus strand (G>T on the coding strand, the complement: OAT is on the minus strand). VCF-style: chr10-124408541-C-A. GRCh37 (hg19) VCF-style: chr10-126097110-C-A.
Other names: c.520+1G>T (NM_001322965.2, NM_001322969.2, NM_001322966.2 and 3 more transcripts); c.106+1G>T (NM_001171814.2); c.-195+1G>T (NM_001322974.2); c.200-2978G>T (NM_001322971.2).
Identifiers: ClinVar variation 1068393 (VCV001068393.7), dbSNP rs2134476814, ClinGen allele CA378636876.